The following is an entry in ClinVar:

ClinVar aggregate classification (germline): Likely benign. Review status: criteria provided, multiple submitters, no conflicts (2 of 4 stars). 4 submissions from 4 submitters: Likely benign (3). 1 of the submissions does not count toward it. Last evaluated 2022-03-08.

Conditions:
Hereditary cancer-predisposing syndrome. Also called: Tumor predisposition; Neoplastic Syndromes, Hereditary; Hereditary Cancer Syndrome; Hereditary neoplastic syndrome. Identifiers: Orphanet 140162, MedGen C0027672, MeSH D009386, MONDO:0015356.
EPCAM-related disorder. Also called: EPCAM-related condition.

Allele frequency attached by ClinVar (database versions not stated): ExAC 0.00002; gnomAD 0.00002; TOPMed 0.00002; ESP Exome Variant Server 0.00008.
gnomAD v4.1: 49 of 1,614,014 alleles (0.003%); highest among the groups gnomAD compares: Admixed American, 0.0083%; no homozygotes.

Submissions (4):

Ambry Genetics
Classification: Likely benign for Hereditary cancer-predisposing syndrome. Last evaluated: 2022-03-08. Review status: criteria provided, single submitter. Criteria: Ambry Variant Classification Scheme 2023. Collection method: clinical testing. Allele origin: germline.

Blueprint Genetics
Classification: Likely benign. Last evaluated: 2020-11-06. Review status: criteria provided, single submitter. Criteria: ACMG Guidelines, 2015. Collection method: clinical testing. Allele origin: germline.

Labcorp Genetics (formerly Invitae), Labcorp
Classification: Likely benign. Last evaluated: 2015-10-30. Review status: criteria provided, single submitter. Criteria: Invitae Variant Classification Sherloc (09022015). Collection method: clinical testing. Allele origin: germline.

PreventionGenetics, part of Exact Sciences
Classification: Likely benign for EPCAM-related condition. Last evaluated: 2024-06-11. Review status: no assertion criteria provided. Collection method: clinical testing. Allele origin: germline. Not counted in ClinVar's aggregate classification.
Comment: This variant is classified as likely benign based on ACMG/AMP sequence variant interpretation guidelines (Richards et al. 2015 PMID: 25741868, with internal and published modifications).

NM_002354.3(EPCAM):c.360C>T (p.Asn120=)

Gene: EPCAM (epithelial cell adhesion molecule; plus strand). Cytogenetic location: 2p21.
Variant type: single nucleotide variant.
Coding change: c.360C>T on transcript NM_002354.3 (MANE Select); coding-DNA position 360, C replaced by T.
Protein change: p.Asn120=; no amino-acid change (asparagine 120 retained).
Molecular consequence: synonymous variant.
Genome position (GRCh38, 1-based): chr2:47,373,983, C>T. VCF-style: chr2-47373983-C-T. GRCh37 (hg19) VCF-style: chr2-47601122-C-T.
Identifiers: ClinVar variation 220834 (VCV000220834.14), dbSNP rs371217745, ClinGen allele CA348294.